The following is an entry in ClinVar:

NM_004136.4(IREB2):c.116C>T (p.Pro39Leu)

Gene: IREB2 (iron responsive element binding protein 2; plus strand). Cytogenetic location: 15q25.1.
Variant type: single nucleotide variant.
Coding change: c.116C>T on transcript NM_004136.4 (MANE Select); coding-DNA position 116, C replaced by T.
Protein change: p.Pro39Leu; replaces proline 39 with leucine.
Molecular consequence: missense variant. On other transcripts: 5 prime UTR variant (3).
Genome position (GRCh38, 1-based): chr15:78,462,931, C>T. VCF-style: chr15-78462931-C-T. GRCh37 (hg19) VCF-style: chr15-78755273-C-T.
Other names: c.-565C>T (NM_001320941.2); c.-56C>T (NM_001320942.2, NM_001354994.2); c.116C>T, p.Pro39Leu (NM_001320943.2); short protein forms P39L.
Identifiers: ClinVar variation 4715199 (VCV004715199.1).

ClinVar aggregate classification (germline): Uncertain significance (1 of 4 stars; one submission).

Submission:

Labcorp Genetics (formerly Invitae), Labcorp
Classification: Uncertain significance. Last evaluated: 2025-03-16. Review status: criteria provided, single submitter. Criteria: Invitae Variant Classification Sherloc (09022015). Collection method: clinical testing. Allele origin: germline.
Comment: This sequence change replaces proline, which is neutral and non-polar, with leucine, which is neutral and non-polar, at codon 39 of the IREB2 protein (p.Pro39Leu). This variant is not present in population databases (gnomAD no frequency). This variant has not been reported in the literature in individuals affected with IREB2-related conditions. An algorithm developed to predict the effect of missense changes on protein structure and function (PolyPhen-2) suggests that this variant is likely to be disruptive. In summary, the available evidence is currently insufficient to determine the role of this variant in disease. Therefore, it has been classified as a Variant of Uncertain Significance.